The following is an entry in ClinVar:

NM_000239.3(LYZ):c.156G>A (p.Trp52Ter)

Gene: LYZ (lysozyme; plus strand). Cytogenetic location: 12q15.
Variant type: single nucleotide variant.
Coding change: c.156G>A on transcript NM_000239.3 (MANE Select); coding-DNA position 156, G replaced by A.
Protein change: p.Trp52Ter; replaces tryptophan 52 with a stop codon.
Molecular consequence: nonsense.
Genome position (GRCh38, 1-based): chr12:69,350,127, G>A. VCF-style: chr12-69350127-G-A. GRCh37 (hg19) VCF-style: chr12-69743907-G-A.
Other names: short protein forms W52*.
Identifiers: ClinVar variation 310330 (VCV000310330.11), dbSNP rs764263034, ClinGen allele CA6679730.
Genomic context (GRCh38, chr12:69,350,127, plus strand): 5'-CTTAGTGTTGCTGTTTATTACTAAAAATAAGTTCTTTTCAGGGATGTGTTTGGCCAAATG[G>A]GAGAGTGGTTACAACACACGAGCTACAAACTACAATGCTGGAGACAGAAGCACTGATTAT-3'

ClinVar aggregate classification (germline): Conflicting classifications of pathogenicity. Review status: criteria provided, conflicting classifications (1 of 4 stars). 4 submissions from 4 submitters: Uncertain significance (1); Likely benign (3). Last evaluated 2024-10-01.

Conditions:
Inborn genetic diseases. Identifiers: MedGen C0950123, MeSH D030342.
Familial visceral amyloidosis, Ostertag type (AMYLD2). Also called: AMYLOIDOSIS VIII; Ostertag type amyloidosis; Familial visceral amyloidosis; Hereditary Renal Amyloidosis; Amyloidosis, hepatic and systemic; AMYLOIDOSIS, HEREDITARY SYSTEMIC 2. Identifiers: Orphanet 85450, MedGen C0268389, MONDO:0007099, OMIM 105200.

Allele frequency attached by ClinVar (database versions not stated): gnomAD exomes 0.00002 and 0.00013; gnomAD 0.00003 and 0.00004; TOPMed 0.00008; ExAC 0.00012.
gnomAD v4.1: 38 of 1,613,952 alleles (0.0024%); highest among the groups gnomAD compares: East Asian, 0.085%; no homozygotes.

Submissions (4):

Ambry Genetics
Classification: Likely benign for Inborn genetic diseases. Last evaluated: 2024-10-01. Review status: criteria provided, single submitter. Criteria: Ambry Variant Classification Scheme 2023. Collection method: clinical testing. Allele origin: germline.

Labcorp Genetics (formerly Invitae), Labcorp
Classification: Likely benign. Last evaluated: 2024-06-03. Review status: criteria provided, single submitter. Criteria: Invitae Variant Classification Sherloc (09022015). Collection method: clinical testing. Allele origin: germline.

Women's Health and Genetics/Laboratory Corporation of America, LabCorp
Classification: Uncertain significance. Last evaluated: 2024-01-17. Review status: criteria provided, single submitter. Criteria: LabCorp Variant Classification Summary - May 2015. Collection method: clinical testing. Allele origin: germline.
Comment: Variant summary: LYZ c.156G>A (p.Trp52X) results in a premature termination codon, predicted to cause absence of the protein due to nonsense mediated decay, however the molecular mechanism of disease attributed to LYZ is currently unknown. The variant allele was found at a frequency of 0.00013 in 251446 control chromosomes, including 33 heterozygotes. To our knowledge, no occurrence of c.156G>A in individuals affected with Familial Visceral Amyloidosis, Ostertag Type and no experimental evidence demonstrating its impact on protein function have been reported. ClinVar contains an entry for this variant (Variation ID: 310330, both Likely benign). Based on the evidence outlined above, the variant was classified as uncertain significance.

Illumina Laboratory Services, Illumina
Classification: Likely benign for Familial visceral amyloidosis, Ostertag type. Last evaluated: 2017-04-27. Review status: criteria provided, single submitter. Criteria: ICSL Variant Classification Criteria 13 December 2019. Collection method: clinical testing. Allele origin: germline.
Comment: This variant was observed as part of a predisposition screen in an ostensibly healthy population. A literature search was performed for the gene, cDNA change, and amino acid change (where applicable). No publications were found based on this search. Allele frequency data from public databases allowed determination this variant is unlikely to cause disease. Therefore, this variant is classified as likely benign.